The following is an entry in ClinVar:

ClinVar aggregate classification (germline): Benign (1 of 4 stars; one submission).

Allele frequency attached by ClinVar (database versions not stated): gnomAD exomes 0.02888 and 0.07969; ESP Exome Variant Server 0.05063; gnomAD 0.07245 and 0.07492; ExAC 0.07300; TOPMed 0.08692; 1000 Genomes Project 30x 0.14054; 1000 Genomes Project 0.14097.

Submission:

GeneDx
Classification: Benign. Last evaluated: 2018-06-14. Review status: criteria provided, single submitter. Criteria: GeneDx Variant Classification (06012015). Collection method: clinical testing. Allele origin: germline. Affected: yes.
Comment: This variant is considered likely benign or benign based on one or more of the following criteria: it is a conservative change, it occurs at a poorly conserved position in the protein, it is predicted to be benign by multiple in silico algorithms, and/or has population frequency not consistent with disease.

NM_004415.4(DSP):c.2297+51T>C

Gene: DSP (desmoplakin; plus strand). Cytogenetic location: 6p24.3.
Variant type: single nucleotide variant.
Coding change: c.2297+51T>C on transcript NM_004415.4 (MANE Select); 51 bases into the intron after coding-DNA position 2297, T replaced by C.
Molecular consequence: intron variant.
Genome position (GRCh38, 1-based): chr6:7,574,303, T>C. VCF-style: chr6-7574303-T-C. GRCh37 (hg19) VCF-style: chr6-7574536-T-C.
Other names: c.2297+51T>C (NM_001319034.2, NM_001008844.3).
Identifiers: ClinVar variation 671293 (VCV000671293.1), dbSNP rs7741957, ClinGen allele CA032563.